The following is an entry in ClinVar:

ClinVar aggregate classification (germline): Likely pathogenic (1 of 4 stars; one submission).

Submission:

GeneDx
Classification: Likely pathogenic. Last evaluated: 2015-04-27. Review status: criteria provided, single submitter. Criteria: GeneDx Variant Classification (06012015). Collection method: clinical testing. Allele origin: germline. Affected: yes.
Comment: The G280R variant in the FLVCR1 gene has not been published as a pathogenic variant, nor has it been reported as a benign polymorphism to our knowledge. The G280R variant was not observed in approximately 6500 individuals of European and African American ancestry in the NHLBI Exome Sequencing Project, indicating it is not a common benign variant in these populations. The G280R variant is a non-conservative amino acid substitution, which is likely to impact secondary protein structure as these residues differ in polarity, charge, size and/or other properties. This substitution occurs at a position that is conserved through mammals. In silico analysis predicts this variant is probably damaging to the protein structure/function. The G280R variant is a strong candidate for a disease-causing variant, however the possibility it may be a rare benign variant cannot be excluded.

NM_014053.4(FLVCR1):c.838G>A (p.Gly280Arg)

Gene: FLVCR1 (FLVCR heme transporter 1; plus strand). Cytogenetic location: 1q32.3.
Variant type: single nucleotide variant.
Coding change: c.838G>A on transcript NM_014053.4 (MANE Select); coding-DNA position 838, G replaced by A.
Protein change: p.Gly280Arg; replaces glycine 280 with arginine.
Molecular consequence: missense variant.
Genome position (GRCh38, 1-based): chr1:212,863,824, G>A. VCF-style: chr1-212863824-G-A. GRCh37 (hg19) VCF-style: chr1-213037166-G-A.
Other names: short protein forms G280R.
Identifiers: ClinVar variation 427182 (VCV000427182.2), dbSNP rs1085308007, ClinGen allele CA344790126.